The following is an entry in ClinVar:

ClinVar aggregate classification (germline): Conflicting classifications of pathogenicity. Review status: criteria provided, conflicting classifications (1 of 4 stars). 8 submissions from 8 submitters: Uncertain significance (5); Likely benign (2). 1 of the submissions does not count toward it. Last evaluated 2025-11-01.

Conditions:
SYNE1-related disorder. Also called: SYNE1-related disorders; SYNE1-related disease; SYNE1-related condition.
Autosomal recessive ataxia, Beauce type. Also called: SYNE1-Related Autosomal Recessive Cerebellar Ataxia; ATAXIA, RECESSIVE, OF BEAUCE; SYNE1 Deficiency; Spinocerebellar ataxia, autosomal recessive 8. Identifiers: Orphanet 88644, MedGen C1853116, MONDO:0012549, OMIM 610743.
Emery-Dreifuss muscular dystrophy 4, autosomal dominant (EDMD4). Also called: EMERY-DREIFUSS MUSCULAR DYSTROPHY 4 WITH VARIABLE FEATURES. Identifiers: Orphanet 261, MedGen C2751807, MONDO:0013071, OMIM 612998.

Allele frequency attached by ClinVar (database versions not stated): gnomAD 0.00020; TOPMed 0.00028; ESP Exome Variant Server 0.00046; gnomAD exomes 0.00051; ExAC 0.00080.
gnomAD v4.1: 779 of 1,614,096 alleles (0.048%); highest among the groups gnomAD compares: Non-Finnish European, 0.06%; 3 homozygotes.

Submissions (8):

CeGaT Center for Human Genetics Tuebingen
Classification: Uncertain significance. Last evaluated: 2025-11-01. Review status: criteria provided, single submitter. Criteria: CeGaT Center For Human Genetics Tuebingen Variant Classification Criteria Version 2. Collection method: clinical testing. Allele origin: germline. Affected: yes. Observed: 1 variant allele.

Athena Diagnostics
Classification: Likely benign. Last evaluated: 2025-06-06. Review status: criteria provided, single submitter. Criteria: Athena Diagnostics Criteria. Collection method: clinical testing. Allele origin: unknown.
Comment: The frequency of this variant in the general population is higher than would generally be expected for pathogenic variants in this gene. Computational tools predict this amino acid change may be benign.

Mayo Clinic Laboratories, Mayo Clinic
Classification: Likely benign. Last evaluated: 2025-03-06. Review status: criteria provided, single submitter. Criteria: ACMG Guidelines, 2015. Collection method: clinical testing. Allele origin: germline. Observed: 1 variant allele.
Comment: BS2, BP4_moderate

Labcorp Genetics (formerly Invitae), Labcorp
Classification: Uncertain significance for Emery-Dreifuss muscular dystrophy 4, autosomal dominant; Autosomal recessive ataxia, Beauce type. Last evaluated: 2023-09-17. Review status: criteria provided, single submitter. Criteria: Invitae Variant Classification Sherloc (09022015). Collection method: clinical testing. Allele origin: germline.
Comment: This sequence change replaces glutamine, which is neutral and polar, with glutamic acid, which is acidic and polar, at codon 5119 of the SYNE1 protein (p.Gln5119Glu). This variant is present in population databases (rs138368397, gnomAD 0.09%), and has an allele count higher than expected for a pathogenic variant. This variant has not been reported in the literature in individuals affected with SYNE1-related conditions. ClinVar contains an entry for this variant (Variation ID: 198942). An algorithm developed to predict the effect of missense changes on protein structure and function (PolyPhen-2) suggests that this variant is likely to be disruptive. In summary, the available evidence is currently insufficient to determine the role of this variant in disease. Therefore, it has been classified as a Variant of Uncertain Significance.

Revvity Omics, Revvity
Classification: Uncertain significance. Last evaluated: 2023-07-19. Review status: criteria provided, single submitter. Criteria: ACMG Guidelines, 2015. Collection method: clinical testing. Allele origin: germline.

GeneDx
Classification: Uncertain significance. Last evaluated: 2021-05-17. Review status: criteria provided, single submitter. Criteria: GeneDx Variant Classification Process June 2021. Collection method: clinical testing. Allele origin: germline. Affected: yes.
Comment: In silico analysis supports that this missense variant does not alter protein structure/function; Has not been previously published as pathogenic or benign to our knowledge

Eurofins Ntd Llc (ga)
Classification: Uncertain significance. Last evaluated: 2017-11-15. Review status: criteria provided, single submitter. Criteria: EGL Classification Definitions 2015. Collection method: clinical testing. Allele origin: germline. Observed: 6 variant alleles, 6 heterozygotes.

PreventionGenetics, part of Exact Sciences
Classification: Uncertain significance for SYNE1-related condition. Last evaluated: 2024-07-07. Review status: no assertion criteria provided. Collection method: clinical testing. Allele origin: germline. Not counted in ClinVar's aggregate classification.
Comment: The SYNE1 c.15355C>G variant is predicted to result in the amino acid substitution p.Gln5119Glu. To our knowledge, this variant has not been reported in the literature. This variant is reported in 0.091% of alleles in individuals of European (Non-Finnish) descent in gnomAD, whihc may be too common to be a primary cause of disease. Although we suspect this variant may be benign, at this time, the clinical significance of this variant is uncertain due to the absence of conclusive functional and genetic evidence.

Literature cited by the submitters: PubMed 31398764 (cited by Athena Diagnostics).

NM_182961.4(SYNE1):c.15568C>G (p.Gln5190Glu)

Gene: SYNE1 (spectrin repeat containing nuclear envelope protein 1; minus strand). Cytogenetic location: 6q25.2.
Variant type: single nucleotide variant.
Coding change: c.15568C>G on transcript NM_182961.4 (MANE Select); coding-DNA position 15568, C replaced by G.
Protein change: p.Gln5190Glu; replaces glutamine 5190 with glutamic acid.
Molecular consequence: missense variant.
Genome position (GRCh38, 1-based): chr6:152,325,173, G>C on the plus strand (C>G on the coding strand, the complement: SYNE1 is on the minus strand). VCF-style: chr6-152325173-G-C. GRCh37 (hg19) VCF-style: chr6-152646308-G-C.
Other names: p.Gln5119Glu; c.15568C>G (NM_182961.2); c.15355C>G, p.Gln5119Glu (NM_033071.5); short protein forms Q5119E, Q5190E.
Identifiers: ClinVar variation 198942 (VCV000198942.27), dbSNP rs138368397, ClinGen allele CA247861.
Genomic context (GRCh38, chr6:152,325,173, plus strand): 5'-CTGCATCTTCCAGGATCTTCTCCTGGTCCTGGGCCACAGCTCGAAGGCGTGTCCAGCGCT[G>C]CCAGACGGTGGTCATTGACCTGCTCAGGGTGGCTTTGCTGGCATCATTTCCGGTTTTCTC-3'
Protein context (NP_892006.3, residues 5180-5200): TLSRSMTTVW[Gln5190Glu]RWTRLRAVAQ